The following is an entry in ClinVar:

ClinVar aggregate classification (germline): Uncertain significance (1 of 4 stars; one submission).

Conditions:
Hypertrophic cardiomyopathy 6. Identifiers: MedGen C1833236, MONDO:0010946, OMIM 600858.

Allele frequency attached by ClinVar (database versions not stated): gnomAD exomes below 0.00001.
gnomAD v4.1: 2 of 1,613,922 alleles (0.00012%); highest among the groups gnomAD compares: Non-Finnish European, 0.00017%; no homozygotes.

Submission:

Agnes Ginges Centre for Molecular Cardiology, Centenary Institute
Classification: Uncertain significance for Hypertrophic cardiomyopathy 6. Last evaluated: 2018-10-16. Review status: criteria provided, single submitter. Criteria: ACMG Guidelines, 2015. Collection method: research. Allele origin: germline. Inheritance: Autosomal dominant inheritance. Affected: yes.
Comment: PRKAG2 Ala459Val has not been previously reported and is absent from the Genome Aggregation Database. In silico tools SIFT, MutationTaster and PolyPhen2 predict this variant to be deleterious. Based on this information we classify this as a variant of 'uncertain significance'.

NM_016203.4(PRKAG2):c.1376C>T (p.Ala459Val)

Gene: PRKAG2 (protein kinase AMP-activated non-catalytic subunit gamma 2; minus strand). Cytogenetic location: 7q36.1.
Variant type: single nucleotide variant.
Coding change: c.1376C>T on transcript NM_016203.4 (MANE Select); coding-DNA position 1376, C replaced by T.
Protein change: p.Ala459Val; replaces alanine 459 with valine.
Molecular consequence: missense variant.
Genome position (GRCh38, 1-based): chr7:151,565,743, G>A on the plus strand (C>T on the coding strand, the complement: PRKAG2 is on the minus strand). VCF-style: chr7-151565743-G-A. GRCh37 (hg19) VCF-style: chr7-151262829-G-A.
Other names: c.1244C>T, p.Ala415Val (NM_001040633.2); c.1001C>T, p.Ala334Val (NM_001304527.2); c.653C>T, p.Ala218Val (NM_001304531.2, NM_024429.2); c.1004C>T, p.Ala335Val (NM_001363698.2); short protein forms A334V, A335V, A459V, A218V, A415V.
Identifiers: ClinVar variation 870093 (VCV000870093.1), dbSNP rs1806096948, ClinGen allele CA370070906.
Genomic context (GRCh38, chr7:151,565,743, plus strand): 5'-ACAATTATTTCTGCCTGTCAGCGCCAAACACACAAACCTGACTCATCCACAACAGGCAGA[G>A]CTGATATTCGTCTTTCCACAAATATGTTCAAGGCTTTGATGATGGGAGTGTCTGGATGTA-3'
Protein context (NP_057287.2, residues 449-469): LNIFVERRIS[Ala459Val]LPVVDESGKV